The following is an entry in ClinVar:

NM_000051.4(ATM):c.613T>G (p.Leu205Val)

Gene: ATM (ATM serine/threonine kinase; plus strand). Cytogenetic location: 11q22.3.
Variant type: single nucleotide variant.
Coding change: c.613T>G on transcript NM_000051.4 (MANE Select); coding-DNA position 613, T replaced by G.
Protein change: p.Leu205Val; replaces leucine 205 with valine.
Molecular consequence: missense variant.
Genome position (GRCh38, 1-based): chr11:108,244,069, T>G. VCF-style: chr11-108244069-T-G. GRCh37 (hg19) VCF-style: chr11-108114796-T-G.
Other names: c.613T>G, p.Leu205Val (NM_001351834.2); short protein forms L205V.
Identifiers: ClinVar variation 4747162 (VCV004747162.1).

ClinVar aggregate classification (germline): Uncertain significance (1 of 4 stars; one submission).

Conditions:
Ataxia-telangiectasia syndrome (AT). Also called: Ataxia-telangiectasia, complementation group D; AT, COMPLEMENTATION GROUP C; Ataxia-telangiectasia; Ataxia telangiectasia (A-T); LOUIS-BAR SYNDROME; Cerebello-oculocutaneous telangiectasia. Identifiers: Orphanet 100, MedGen C0004135, MONDO:0008840, OMIM 208900.

Submission:

Labcorp Genetics (formerly Invitae), Labcorp
Classification: Uncertain significance for Ataxia-telangiectasia syndrome. Last evaluated: 2025-11-22. Review status: criteria provided, single submitter. Criteria: Invitae Variant Classification Sherloc (09022015). Collection method: clinical testing. Allele origin: germline.
Comment: This sequence change replaces leucine, which is neutral and non-polar, with valine, which is neutral and non-polar, at codon 205 of the ATM protein (p.Leu205Val). This variant is not present in population databases (gnomAD no frequency). This variant has not been reported in the literature in individuals affected with ATM-related conditions. Invitae Evidence Modeling of protein sequence and biophysical properties (such as structural, functional, and spatial information, amino acid conservation, physicochemical variation, residue mobility, and thermodynamic stability) indicates that this missense variant is not expected to disrupt ATM protein function with a negative predictive value of 95%. In summary, the available evidence is currently insufficient to determine the role of this variant in disease. Therefore, it has been classified as a Variant of Uncertain Significance.